The following is an entry in ClinVar:

ClinVar aggregate classification (germline): Uncertain significance (1 of 4 stars; one submission).

Submission:

GeneDx
Classification: Uncertain significance. Last evaluated: 2024-09-20. Review status: criteria provided, single submitter. Criteria: GeneDx Variant Classification Process June 2021. Collection method: clinical testing. Allele origin: germline. Affected: yes.
Comment: Not observed at significant frequency in large population cohorts (gnomAD); In silico analysis supports that this missense variant has a deleterious effect on protein structure/function; Has not been previously published as pathogenic or benign to our knowledge

NM_001195553.2(DCX):c.86C>T (p.Pro29Leu)

Gene: DCX (doublecortin; minus strand). Cytogenetic location: Xq23.
Variant type: single nucleotide variant.
Coding change: c.86C>T on transcript NM_001195553.2 (MANE Select); coding-DNA position 86, C replaced by T.
Protein change: p.Pro29Leu; replaces proline 29 with leucine.
Molecular consequence: missense variant.
Genome position (GRCh38, 1-based): chrX:111,410,313, G>A on the plus strand (C>T on the coding strand, the complement: DCX is on the minus strand). VCF-style: chrX-111410313-G-A. GRCh37 (hg19) VCF-style: chrX-110653541-G-A.
Other names: c.329C>T, p.Pro110Leu (NM_000555.3); c.86C>T, p.Pro29Leu (NM_001369370.1, NM_001369371.1, NM_001369372.1 and 6 more transcripts); short protein forms P110L, P29L.
Identifiers: ClinVar variation 3774683 (VCV003774683.1).
Genomic context (GRCh38, chrX:111,410,313, plus strand): 5'-TCATTACTCAGTGCCTGCAAGGTTCTGGTTCGGTAGAAGCTACAGTGGGCGCTGTGAGTG[G>A]GGCTAGGCAACCCATTCATCCGGGAGCCTCGCATGTTCCTGGATGTCTTATCTCTTTCGT-3'
Protein context (NP_001182482.1, residues 19-39): RGSRMNGLPS[Pro29Leu]THSAHCSFYR